The following is an entry in ClinVar:

NM_001003800.2(BICD2):c.856A>G (p.Ser286Gly)

Gene: BICD2 (BICD cargo adaptor 2; minus strand). Cytogenetic location: 9q22.31.
Variant type: single nucleotide variant.
Coding change: c.856A>G on transcript NM_001003800.2 (MANE Select); coding-DNA position 856, A replaced by G.
Protein change: p.Ser286Gly; replaces serine 286 with glycine.
Molecular consequence: missense variant.
Genome position (GRCh38, 1-based): chr9:92,720,506, T>C on the plus strand (A>G on the coding strand, the complement: BICD2 is on the minus strand). VCF-style: chr9-92720506-T-C. GRCh37 (hg19) VCF-style: chr9-95482788-T-C.
Other names: c.856A>G, p.Ser286Gly (NM_015250.4); short protein forms S286G.
Identifiers: ClinVar variation 2575630 (VCV002575630.1), dbSNP rs2490451904, ClinGen allele CA374043249.

ClinVar aggregate classification (germline): Uncertain significance (1 of 4 stars; one submission).

Submission:

GeneDx
Classification: Uncertain significance. Last evaluated: 2023-02-10. Review status: criteria provided, single submitter. Criteria: GeneDx Variant Classification Process June 2021. Collection method: clinical testing. Allele origin: germline. Affected: yes.
Comment: Not observed at significant frequency in large population cohorts (gnomAD); In silico analysis supports that this missense variant does not alter protein structure/function; Has not been previously published as pathogenic or benign to our knowledge